The following is an entry in ClinVar:

ClinVar aggregate classification (germline): Uncertain significance (1 of 4 stars; one submission).

Submission:

Labcorp Genetics (formerly Invitae), Labcorp
Classification: Uncertain significance. Last evaluated: 2023-03-08. Review status: criteria provided, single submitter. Criteria: Invitae Variant Classification Sherloc (09022015). Collection method: clinical testing. Allele origin: germline.
Comment: This sequence change replaces serine, which is neutral and polar, with cysteine, which is neutral and slightly polar, at codon 400 of the NEK2 protein (p.Ser400Cys). This variant is not present in population databases (gnomAD no frequency). In summary, the available evidence is currently insufficient to determine the role of this variant in disease. Therefore, it has been classified as a Variant of Uncertain Significance. An algorithm developed to predict the effect of missense changes on protein structure and function (PolyPhen-2) suggests that this variant is likely to be tolerated. This variant has not been reported in the literature in individuals affected with NEK2-related conditions.

NM_002497.4(NEK2):c.1199C>G (p.Ser400Cys)

Gene: NEK2 (NIMA related kinase 2; minus strand). Cytogenetic location: 1q32.3.
Variant type: single nucleotide variant.
Coding change: c.1199C>G on transcript NM_002497.4 (MANE Select); coding-DNA position 1199, C replaced by G.
Protein change: p.Ser400Cys; replaces serine 400 with cysteine.
Molecular consequence: missense variant. On other transcripts: intron variant (1).
Genome position (GRCh38, 1-based): chr1:211,663,565, G>C on the plus strand (C>G on the coding strand, the complement: NEK2 is on the minus strand). VCF-style: chr1-211663565-G-C. GRCh37 (hg19) VCF-style: chr1-211836907-G-C.
Other names: c.1111+3541C>G (NM_001204182.2); short protein forms S400C.
Identifiers: ClinVar variation 2802570 (VCV002802570.3), dbSNP rs2464371350, ClinGen allele CA344773921.